The following is an entry in ClinVar:

ClinVar aggregate classification (germline): Uncertain significance (1 of 4 stars; one submission).

Conditions:
Joubert syndrome 21 (JBTS21). Identifiers: MedGen C3810212, MONDO:0014288, OMIM 615636.

Allele frequency attached by ClinVar (database versions not stated): ExAC 0.00001; gnomAD exomes below 0.00001.
gnomAD v4.1: 4 of 1,606,192 alleles (0.00025%); highest among the groups gnomAD compares: African/African-American, 0.0013%; no homozygotes.

Submission:

Labcorp Genetics (formerly Invitae), Labcorp
Classification: Uncertain significance for Joubert syndrome 21. Last evaluated: 2022-07-05. Review status: criteria provided, single submitter. Criteria: Invitae Variant Classification Sherloc (09022015). Collection method: clinical testing. Allele origin: germline.
Comment: This sequence change replaces arginine, which is basic and polar, with cysteine, which is neutral and slightly polar, at codon 916 of the CSPP1 protein (p.Arg916Cys). This variant is present in population databases (rs776600422, gnomAD 0.003%). This variant has not been reported in the literature in individuals affected with CSPP1-related conditions. ClinVar contains an entry for this variant (Variation ID: 1475599). Algorithms developed to predict the effect of missense changes on protein structure and function are either unavailable or do not agree on the potential impact of this missense change (SIFT: "Deleterious"; PolyPhen-2: "Probably Damaging"; Align-GVGD: "Class C0"). In summary, the available evidence is currently insufficient to determine the role of this variant in disease. Therefore, it has been classified as a Variant of Uncertain Significance.

NM_001382391.1(CSPP1):c.2761C>T (p.Arg921Cys)

Gene: CSPP1 (centrosome and spindle pole associated protein 1; plus strand). Cytogenetic location: 8q13.2.
Variant type: single nucleotide variant.
Coding change: c.2761C>T on transcript NM_001382391.1 (MANE Select); coding-DNA position 2761, C replaced by T.
Protein change: p.Arg921Cys; replaces arginine 921 with cysteine.
Molecular consequence: missense variant.
Genome position (GRCh38, 1-based): chr8:67,164,441, C>T. VCF-style: chr8-67164441-C-T. GRCh37 (hg19) VCF-style: chr8-68076676-C-T.
Other names: c.1711C>T, p.Arg571Cys (NM_001291339.2); c.2680C>T, p.Arg894Cys (NM_001363131.2); c.2566C>T, p.Arg856Cys (NM_001363132.2); c.2485C>T, p.Arg829Cys (NM_001363133.2); c.2827C>T, p.Arg943Cys (NM_001364869.1); c.2647C>T, p.Arg883Cys (NM_001364870.1); c.2746C>T, p.Arg916Cys (NM_024790.7); short protein forms R856C, R916C, R883C, R571C, R894C, R829C, R921C, R943C.
Identifiers: ClinVar variation 1475599 (VCV001475599.3), dbSNP rs776600422, ClinGen allele CA4770935.